The following continues an entry in ClinVar:

NM_006231.4(POLE):c.91G>T (p.Ala31Ser)

Gene: POLE. ClinVar aggregate classification (germline): Benign/Likely benign. Benign (14); Likely benign (1).

Submissions 22 to 58 of 81:

Dr. Peter K. Rogan Lab, Western University
No classification provided (evidence only). Condition: Lung cancer. Review status: no classification provided. Collection method: in vitro. Allele origin: not applicable. Functional consequence: retained intron. Not counted in ClinVar's aggregate classification.

Dr. Peter K. Rogan Lab, Western University
No classification provided (evidence only). Condition: Lung cancer. Review status: no classification provided. Collection method: in vitro. Allele origin: not applicable. Functional consequence: retained intron. Not counted in ClinVar's aggregate classification.

Dr. Peter K. Rogan Lab, Western University
No classification provided (evidence only). Condition: Melanoma. Review status: no classification provided. Collection method: in vitro. Allele origin: not applicable. Functional consequence: retained intron. Not counted in ClinVar's aggregate classification.

Dr. Peter K. Rogan Lab, Western University
No classification provided (evidence only). Condition: Melanoma. Review status: no classification provided. Collection method: in vitro. Allele origin: not applicable. Functional consequence: retained intron. Not counted in ClinVar's aggregate classification.

Dr. Peter K. Rogan Lab, Western University
No classification provided (evidence only). Condition: Melanoma. Review status: no classification provided. Collection method: in vitro. Allele origin: not applicable. Functional consequence: retained intron. Not counted in ClinVar's aggregate classification.

Dr. Peter K. Rogan Lab, Western University
No classification provided (evidence only). Condition: Melanoma. Review status: no classification provided. Collection method: in vitro. Allele origin: not applicable. Functional consequence: retained intron. Not counted in ClinVar's aggregate classification.

Dr. Peter K. Rogan Lab, Western University
No classification provided (evidence only). Condition: Melanoma. Review status: no classification provided. Collection method: in vitro. Allele origin: not applicable. Functional consequence: retained intron. Not counted in ClinVar's aggregate classification.

Dr. Peter K. Rogan Lab, Western University
No classification provided (evidence only). Condition: Acute myeloid leukemia. Review status: no classification provided. Collection method: in vitro. Allele origin: not applicable. Functional consequence: retained intron. Not counted in ClinVar's aggregate classification.

Dr. Peter K. Rogan Lab, Western University
No classification provided (evidence only). Condition: Acute myeloid leukemia. Review status: no classification provided. Collection method: in vitro. Allele origin: not applicable. Functional consequence: retained intron. Not counted in ClinVar's aggregate classification.

Dr. Peter K. Rogan Lab, Western University
No classification provided (evidence only). Condition: Acute myeloid leukemia. Review status: no classification provided. Collection method: in vitro. Allele origin: not applicable. Functional consequence: retained intron. Not counted in ClinVar's aggregate classification.

Dr. Peter K. Rogan Lab, Western University
No classification provided (evidence only). Condition: Acute myeloid leukemia. Review status: no classification provided. Collection method: in vitro. Allele origin: not applicable. Functional consequence: retained intron. Not counted in ClinVar's aggregate classification.

Dr. Peter K. Rogan Lab, Western University
No classification provided (evidence only). Condition: Acute myeloid leukemia. Review status: no classification provided. Collection method: in vitro. Allele origin: not applicable. Functional consequence: retained intron. Not counted in ClinVar's aggregate classification.

Dr. Peter K. Rogan Lab, Western University
No classification provided (evidence only). Condition: Acute myeloid leukemia. Review status: no classification provided. Collection method: in vitro. Allele origin: not applicable. Functional consequence: retained intron. Not counted in ClinVar's aggregate classification.

Dr. Peter K. Rogan Lab, Western University
No classification provided (evidence only). Condition: Acute myeloid leukemia. Review status: no classification provided. Collection method: in vitro. Allele origin: not applicable. Functional consequence: retained intron. Not counted in ClinVar's aggregate classification.

Dr. Peter K. Rogan Lab, Western University
No classification provided (evidence only). Condition: Acute myeloid leukemia. Review status: no classification provided. Collection method: in vitro. Allele origin: not applicable. Functional consequence: retained intron. Not counted in ClinVar's aggregate classification.

Dr. Peter K. Rogan Lab, Western University
No classification provided (evidence only). Condition: Colon adenocarcinoma. Review status: no classification provided. Collection method: in vitro. Allele origin: not applicable. Functional consequence: retained intron. Not counted in ClinVar's aggregate classification.

Dr. Peter K. Rogan Lab, Western University
No classification provided (evidence only). Condition: Colon adenocarcinoma. Review status: no classification provided. Collection method: in vitro. Allele origin: not applicable. Functional consequence: retained intron. Not counted in ClinVar's aggregate classification.

Dr. Peter K. Rogan Lab, Western University
No classification provided (evidence only). Condition: Colon adenocarcinoma. Review status: no classification provided. Collection method: in vitro. Allele origin: not applicable. Functional consequence: retained intron. Not counted in ClinVar's aggregate classification.

Dr. Peter K. Rogan Lab, Western University
No classification provided (evidence only). Condition: Colorectal cancer. Review status: no classification provided. Collection method: in vitro. Allele origin: not applicable. Functional consequence: retained intron. Not counted in ClinVar's aggregate classification.

Dr. Peter K. Rogan Lab, Western University
No classification provided (evidence only). Condition: Thyroid cancer, nonmedullary, 1. Review status: no classification provided. Collection method: in vitro. Allele origin: not applicable. Functional consequence: retained intron. Not counted in ClinVar's aggregate classification.

Dr. Peter K. Rogan Lab, Western University
No classification provided (evidence only). Condition: Uterine corpus endometrial carcinoma. Review status: no classification provided. Collection method: in vitro. Allele origin: not applicable. Functional consequence: retained intron. Not counted in ClinVar's aggregate classification.

Dr. Peter K. Rogan Lab, Western University
No classification provided (evidence only). Condition: Uterine corpus endometrial carcinoma. Review status: no classification provided. Collection method: in vitro. Allele origin: not applicable. Functional consequence: retained intron. Not counted in ClinVar's aggregate classification.

Dr. Peter K. Rogan Lab, Western University
No classification provided (evidence only). Condition: Uterine corpus endometrial carcinoma. Review status: no classification provided. Collection method: in vitro. Allele origin: not applicable. Functional consequence: retained intron. Not counted in ClinVar's aggregate classification.

Dr. Peter K. Rogan Lab, Western University
No classification provided (evidence only). Condition: Uterine corpus endometrial carcinoma. Review status: no classification provided. Collection method: in vitro. Allele origin: not applicable. Functional consequence: retained intron. Not counted in ClinVar's aggregate classification.

Dr. Peter K. Rogan Lab, Western University
No classification provided (evidence only). Condition: Cervical cancer. Review status: no classification provided. Collection method: in vitro. Allele origin: not applicable. Functional consequence: retained intron. Not counted in ClinVar's aggregate classification.

Dr. Peter K. Rogan Lab, Western University
No classification provided (evidence only). Condition: Cervical cancer. Review status: no classification provided. Collection method: in vitro. Allele origin: not applicable. Functional consequence: retained intron. Not counted in ClinVar's aggregate classification.

Dr. Peter K. Rogan Lab, Western University
No classification provided (evidence only). Condition: Cervical cancer. Review status: no classification provided. Collection method: in vitro. Allele origin: not applicable. Functional consequence: retained intron. Not counted in ClinVar's aggregate classification.

Dr. Peter K. Rogan Lab, Western University
No classification provided (evidence only). Condition: Cervical cancer. Review status: no classification provided. Collection method: in vitro. Allele origin: not applicable. Functional consequence: retained intron. Not counted in ClinVar's aggregate classification.

Dr. Peter K. Rogan Lab, Western University
No classification provided (evidence only). Condition: Cervical cancer. Review status: no classification provided. Collection method: in vitro. Allele origin: not applicable. Functional consequence: retained intron. Not counted in ClinVar's aggregate classification.

Dr. Peter K. Rogan Lab, Western University
No classification provided (evidence only). Condition: Cervical cancer. Review status: no classification provided. Collection method: in vitro. Allele origin: not applicable. Functional consequence: retained intron. Not counted in ClinVar's aggregate classification.

Dr. Peter K. Rogan Lab, Western University
No classification provided (evidence only). Condition: Cervical cancer. Review status: no classification provided. Collection method: in vitro. Allele origin: not applicable. Functional consequence: retained intron. Not counted in ClinVar's aggregate classification.

Dr. Peter K. Rogan Lab, Western University
No classification provided (evidence only). Condition: Sarcoma. Review status: no classification provided. Collection method: in vitro. Allele origin: not applicable. Functional consequence: retained intron. Not counted in ClinVar's aggregate classification.

Dr. Peter K. Rogan Lab, Western University
No classification provided (evidence only). Condition: Sarcoma. Review status: no classification provided. Collection method: in vitro. Allele origin: not applicable. Functional consequence: retained intron. Not counted in ClinVar's aggregate classification.

Dr. Peter K. Rogan Lab, Western University
No classification provided (evidence only). Condition: Sarcoma. Review status: no classification provided. Collection method: in vitro. Allele origin: not applicable. Functional consequence: retained intron. Not counted in ClinVar's aggregate classification.

Dr. Peter K. Rogan Lab, Western University
No classification provided (evidence only). Condition: Sarcoma. Review status: no classification provided. Collection method: in vitro. Allele origin: not applicable. Functional consequence: retained intron. Not counted in ClinVar's aggregate classification.

Dr. Peter K. Rogan Lab, Western University
No classification provided (evidence only). Condition: Hepatocellular carcinoma. Review status: no classification provided. Collection method: in vitro. Allele origin: not applicable. Functional consequence: retained intron. Not counted in ClinVar's aggregate classification.

Dr. Peter K. Rogan Lab, Western University
No classification provided (evidence only). Condition: Hepatocellular carcinoma. Review status: no classification provided. Collection method: in vitro. Allele origin: not applicable. Functional consequence: retained intron. Not counted in ClinVar's aggregate classification.